The following is an entry in ClinVar:

NM_002693.3(POLG):c.629C>T (p.Thr210Ile)

Genes: POLGARF (POLG alternative reading frame; minus strand), POLG (DNA polymerase gamma, catalytic subunit; minus strand). Cytogenetic location: 15q26.1.
Variant type: single nucleotide variant.
Coding change: c.629C>T on transcript NM_002693.3 (MANE Select); coding-DNA position 629, C replaced by T.
Protein change: p.Thr210Ile; replaces threonine 210 with isoleucine.
Molecular consequence: missense variant.
Genome position (GRCh38, 1-based): chr15:89,333,126, G>A on the plus strand (C>T on the coding strand, the complement: POLG is on the minus strand). VCF-style: chr15-89333126-G-A. GRCh37 (hg19) VCF-style: chr15-89876357-G-A.
Other names: c.629C>T, p.Thr210Ile (NM_001126131.2); short protein forms T210I.
Identifiers: ClinVar variation 432673 (VCV000432673.12), dbSNP rs1450989575, ClinGen allele CA393770286.

ClinVar aggregate classification (germline): Uncertain significance. Review status: criteria provided, multiple submitters, no conflicts (2 of 4 stars). 4 submissions from 4 submitters: Uncertain significance (4). Last evaluated 2025-03-17.

Conditions:
POLG-related disorder. Also called: POLG-related condition; POLG-Related Disorders; POLG-Related Spectrum Disorders. Identifiers: MedGen C4763519.
Mitochondrial DNA depletion syndrome 4b. Also called: Mitochondrial Neurogastrointestinal Encephalopathy Disease, POLG-Related; MNGIE, POLG-RELATED. Identifiers: Orphanet 298, MedGen C3150914, MONDO:0013350, OMIM 613662.
Sensory ataxic neuropathy, dysarthria, and ophthalmoparesis (SANDO). Also called: SENSORY ATAXIC NEUROPATHY WITH MITOCHONDRIAL DNA DELETIONS, AUTOSOMAL RECESSIVE; Epilepsy, progressive myoclonic, type 5; Ataxia Neuropathy Spectrum (ANS); Sensory ataxic neuropathy-dysarthria-ophthalmoparesis syndrome. Identifiers: Orphanet 70595, MedGen C1843851, MONDO:0011835, OMIM 607459.
Mitochondrial DNA depletion syndrome 1. Also called: Mitochondrial DNA depletion syndrome 1 (MNGIE type); POLIP SYNDROME; POLYNEUROPATHY, OPHTHALMOPLEGIA, LEUKOENCEPHALOPATHY, AND INTESTINAL PSEUDOOBSTRUCTION; Mitochondrial DNA Depletion Syndrome, MNGIE Form; Mitochondrial Neurogastrointestinal Encephalopathy Disease; MNGIE, TYMP-RELATED. Identifiers: Orphanet 298, MedGen C4551995, MONDO:0011283, OMIM 603041.
Progressive sclerosing poliodystrophy (MTDPS4A). Also called: Mitochondrial DNA depletion syndrome 4A (Alpers type); ALPERS PROGRESSIVE INFANTILE POLIODYSTROPHY; Alpers-Huttenlocher Syndrome; Alpers-Huttenlocher Syndrome (AHS); ALPERS DIFFUSE DEGENERATION OF CEREBRAL GRAY MATTER WITH HEPATIC CIRRHOSIS; NEURONAL DEGENERATION OF CHILDHOOD WITH LIVER DISEASE, PROGRESSIVE. Identifiers: Orphanet 726, MedGen C0205710, MONDO:0008758, OMIM 203700.
Progressive external ophthalmoplegia with mitochondrial DNA deletions, autosomal dominant 1 (PEOA1). Also called: PROGRESSIVE EXTERNAL OPHTHALMOPLEGIA, AUTOSOMAL DOMINANT 1; Autosomal Dominant Progressive External Ophthalmoplegia (adPEO). Identifiers: MedGen C1834846, MONDO:0024528, OMIM 157640.
Progressive external ophthalmoplegia with mitochondrial DNA deletions, autosomal recessive 1 (PEOB1). Also called: Progressive external ophthalmoplegia, autosomal recessive 1; Autosomal Recessive Progressive External Ophthalmoplegia (arPEO). Identifiers: Orphanet 254886, MedGen C4225153, MONDO:0009783, OMIM 258450.

Allele frequency attached by ClinVar (database versions not stated): gnomAD exomes 0.00001; gnomAD 0.00003.
gnomAD v4.1: 10 of 1,524,902 alleles (0.00066%); highest among the groups gnomAD compares: Non-Finnish European, 0.00088%; no homozygotes.

Submissions (4):

PreventionGenetics, part of Exact Sciences
Classification: Uncertain significance for POLG-related condition. Last evaluated: 2025-03-17. Review status: criteria provided, single submitter. Criteria: ACMG Guidelines, 2015. Collection method: clinical testing. Allele origin: germline.
Comment: The POLG c.629C>T variant is predicted to result in the amino acid substitution p.Thr210Ile. To our knowledge, this variant has not been reported in the literature. This variant is reported in 0.0020% of alleles in individuals of European (Non-Finnish) descent in gnomAD. At this time, the clinical significance of this variant is uncertain due to the absence of conclusive functional and genetic evidence.

Labcorp Genetics (formerly Invitae), Labcorp
Classification: Uncertain significance for Progressive sclerosing poliodystrophy. Last evaluated: 2025-01-20. Review status: criteria provided, single submitter. Criteria: Invitae Variant Classification Sherloc (09022015). Collection method: clinical testing. Allele origin: germline.
Comment: This sequence change replaces threonine, which is neutral and polar, with isoleucine, which is neutral and non-polar, at codon 210 of the POLG protein (p.Thr210Ile). This variant is present in population databases (no rsID available, gnomAD 0.001%). This variant has not been reported in the literature in individuals affected with POLG-related conditions. ClinVar contains an entry for this variant (Variation ID: 432673). Invitae Evidence Modeling of protein sequence and biophysical properties (such as structural, functional, and spatial information, amino acid conservation, physicochemical variation, residue mobility, and thermodynamic stability) has been performed for this missense variant. However, the output from this modeling did not meet the statistical confidence thresholds required to predict the impact of this variant on POLG protein function. In summary, the available evidence is currently insufficient to determine the role of this variant in disease. Therefore, it has been classified as a Variant of Uncertain Significance.

Fulgent Genetics
Classification: Uncertain significance for Progressive external ophthalmoplegia with mitochondrial DNA deletions, autosomal dominant 1; Progressive sclerosing poliodystrophy; Progressive external ophthalmoplegia with mitochondrial DNA deletions, autosomal recessive 1; Mitochondrial DNA depletion syndrome 1; Sensory ataxic neuropathy, dysarthria, and ophthalmoparesis; Mitochondrial DNA depletion syndrome 4b. Last evaluated: 2021-10-07. Review status: criteria provided, single submitter. Criteria: ACMG Guidelines, 2015. Collection method: clinical testing. Allele origin: unknown.

GeneDx
Classification: Uncertain significance. Last evaluated: 2019-10-28. Review status: criteria provided, single submitter. Criteria: GeneDx Variant Classification Process June 2021. Collection method: clinical testing. Allele origin: germline. Affected: yes.
Comment: Not observed at a significant frequency in large population cohorts (Lek et al., 2016); In silico analysis, which includes protein predictors and evolutionary conservation, supports a deleterious effect; Has not been previously published as pathogenic or benign to our knowledge